The following is an entry in ClinVar:

NM_014285.7(EXOSC2):c.254T>C (p.Val85Ala)

Gene: EXOSC2 (exosome component 2; plus strand). Cytogenetic location: 9q34.12.
Variant type: single nucleotide variant.
Coding change: c.254T>C on transcript NM_014285.7 (MANE Select); coding-DNA position 254, T replaced by C.
Protein change: p.Val85Ala; replaces valine 85 with alanine.
Molecular consequence: missense variant. On other transcripts: non-coding transcript variant (1).
Genome position (GRCh38, 1-based): chr9:130,697,611, T>C. VCF-style: chr9-130697611-T-C. GRCh37 (hg19) VCF-style: chr9-133572998-T-C.
Other names: c.254T>C, p.Val85Ala (NM_001282708.1, NM_001282709.1); short protein forms V85A.
Identifiers: ClinVar variation 2084125 (VCV002084125.4), dbSNP rs2490782120, ClinGen allele CA375246848.

ClinVar aggregate classification (germline): Uncertain significance (1 of 4 stars; one submission).

Submission:

Labcorp Genetics (formerly Invitae), Labcorp
Classification: Uncertain significance. Last evaluated: 2022-01-15. Review status: criteria provided, single submitter. Criteria: Invitae Variant Classification Sherloc (09022015). Collection method: clinical testing. Allele origin: germline.
Comment: This variant is not present in population databases (gnomAD no frequency). This sequence change replaces valine, which is neutral and non-polar, with alanine, which is neutral and non-polar, at codon 85 of the EXOSC2 protein (p.Val85Ala). In summary, the available evidence is currently insufficient to determine the role of this variant in disease. Therefore, it has been classified as a Variant of Uncertain Significance. Algorithms developed to predict the effect of missense changes on protein structure and function (SIFT, PolyPhen-2, Align-GVGD) all suggest that this variant is likely to be disruptive. This variant has not been reported in the literature in individuals affected with EXOSC2-related conditions.